The following is an entry in ClinVar:

ClinVar aggregate classification (germline): Uncertain significance. Review status: criteria provided, multiple submitters, no conflicts (2 of 4 stars). 2 submissions from 2 submitters: Uncertain significance (2). Last evaluated 2024-03-31.

Conditions:
Inborn genetic diseases. Identifiers: MedGen C0950123, MeSH D030342.

gnomAD v4.1: 1 of 1,614,076 alleles (0.000062%); highest among the groups gnomAD compares: Non-Finnish European, 0.000085%; no homozygotes.

Submissions (2):

GeneDx
Classification: Uncertain significance. Last evaluated: 2024-03-31. Review status: criteria provided, single submitter. Criteria: GeneDx Variant Classification Process June 2021. Collection method: clinical testing. Allele origin: germline. Affected: yes.
Comment: Not observed at significant frequency in large population cohorts (gnomAD); In silico analysis supports that this missense variant has a deleterious effect on protein structure/function; Has not been previously published as pathogenic or benign to our knowledge

Ambry Genetics
Classification: Uncertain significance for Inborn genetic diseases. Last evaluated: 2021-04-12. Review status: criteria provided, single submitter. Criteria: Ambry Variant Classification Scheme 2023. Collection method: clinical testing. Allele origin: germline.
Comment: The p.R548L variant (also known as c.1643G>T), located in coding exon 13 of the OPTN gene, results from a G to T substitution at nucleotide position 1643. The arginine at codon 548 is replaced by leucine, an amino acid with dissimilar properties. This amino acid position is poorly conserved in available vertebrate species. In addition, this alteration is predicted to be tolerated by in silico analysis. Since supporting evidence is limited at this time, the clinical significance of this alteration remains unclear.

NM_001008212.2(OPTN):c.1643G>T (p.Arg548Leu)

Gene: OPTN (optineurin; plus strand). Cytogenetic location: 10p13.
Variant type: single nucleotide variant.
Coding change: c.1643G>T on transcript NM_001008212.2 (MANE Select); coding-DNA position 1643, G replaced by T.
Protein change: p.Arg548Leu; replaces arginine 548 with leucine.
Molecular consequence: missense variant.
Genome position (GRCh38, 1-based): chr10:13,136,775, G>T. VCF-style: chr10-13136775-G-T. GRCh37 (hg19) VCF-style: chr10-13178775-G-T.
Other names: c.1643G>T, p.Arg548Leu (NM_001008211.1, NM_001008213.1, NM_021980.4); short protein forms R548L.
Identifiers: ClinVar variation 1777093 (VCV001777093.3), dbSNP rs550042475, ClinGen allele CA376030702.